The following is an entry in ClinVar:

NM_006031.6(PCNT):c.930C>G (p.His310Gln)

Gene: PCNT (pericentrin; plus strand). Cytogenetic location: 21q22.3.
Variant type: single nucleotide variant.
Coding change: c.930C>G on transcript NM_006031.6 (MANE Select); coding-DNA position 930, C replaced by G.
Protein change: p.His310Gln; replaces histidine 310 with glutamine.
Molecular consequence: missense variant.
Genome position (GRCh38, 1-based): chr21:46,346,952, C>G. VCF-style: chr21-46346952-C-G. GRCh37 (hg19) VCF-style: chr21-47766866-C-G.
Other names: c.576C>G, p.His192Gln (NM_001315529.2); short protein forms H310Q, H192Q.
Identifiers: ClinVar variation 1977974 (VCV001977974.5), dbSNP rs778056605, ClinGen allele CA410553551.

ClinVar aggregate classification (germline): Uncertain significance (1 of 4 stars; one submission).

gnomAD v4.1: 2 of 1,597,100 alleles (0.00013%); highest among the groups gnomAD compares: Middle Eastern, 0.02%; no homozygotes.

Submission:

Labcorp Genetics (formerly Invitae), Labcorp
Classification: Uncertain significance. Last evaluated: 2022-07-06. Review status: criteria provided, single submitter. Criteria: Invitae Variant Classification Sherloc (09022015). Collection method: clinical testing. Allele origin: germline.
Comment: In summary, the available evidence is currently insufficient to determine the role of this variant in disease. Therefore, it has been classified as a Variant of Uncertain Significance. Algorithms developed to predict the effect of missense changes on protein structure and function are either unavailable or do not agree on the potential impact of this missense change (SIFT: "Tolerated"; PolyPhen-2: "Possibly Damaging"; Align-GVGD: "Class C0"). This variant has not been reported in the literature in individuals affected with PCNT-related conditions. This variant is present in population databases (no rsID available, gnomAD 0.003%). This sequence change replaces histidine, which is basic and polar, with glutamine, which is neutral and polar, at codon 310 of the PCNT protein (p.His310Gln).